The following is an entry in ClinVar:

ClinVar aggregate classification (germline): Conflicting classifications of pathogenicity. Review status: criteria provided, conflicting classifications (1 of 4 stars). 2 submissions from 2 submitters: Uncertain significance (1); Likely benign (1). Last evaluated 2024-12-27.

Conditions:
Inborn genetic diseases. Identifiers: MedGen C0950123, MeSH D030342.
Neuropathy, hereditary sensory, type 1F. Also called: Hereditary sensory neuropathy type IF; HSN IF. Identifiers: Orphanet 36386, MedGen C3810194, MONDO:0014286, OMIM 615632.

Allele frequency attached by ClinVar (database versions not stated): gnomAD exomes below 0.00001 and 0.00002; TOPMed 0.00002; gnomAD 0.00003; ExAC 0.00006; 1000 Genomes Project 30x 0.00016; 1000 Genomes Project 0.00020.
gnomAD v4.1: 14 of 1,612,824 alleles (0.00087%); highest among the groups gnomAD compares: East Asian, 0.02%; 1 homozygote.

Submissions (2):

Labcorp Genetics (formerly Invitae), Labcorp
Classification: Uncertain significance for Neuropathy, hereditary sensory, type 1F. Last evaluated: 2024-12-27. Review status: criteria provided, single submitter. Criteria: Invitae Variant Classification Sherloc (09022015). Collection method: clinical testing. Allele origin: germline.
Comment: This sequence change replaces threonine, which is neutral and polar, with asparagine, which is neutral and polar, at codon 261 of the ATL3 protein (p.Thr261Asn). This variant is present in population databases (rs567304524, gnomAD 0.03%). This variant has not been reported in the literature in individuals affected with ATL3-related conditions. ClinVar contains an entry for this variant (Variation ID: 949476). Invitae Evidence Modeling of protein sequence and biophysical properties (such as structural, functional, and spatial information, amino acid conservation, physicochemical variation, residue mobility, and thermodynamic stability) indicates that this missense variant is not expected to disrupt ATL3 protein function with a negative predictive value of 80%. In summary, the available evidence is currently insufficient to determine the role of this variant in disease. Therefore, it has been classified as a Variant of Uncertain Significance.

Ambry Genetics
Classification: Likely benign for Inborn genetic diseases. Last evaluated: 2024-08-26. Review status: criteria provided, single submitter. Criteria: Ambry Variant Classification Scheme 2023. Collection method: clinical testing. Allele origin: germline.

NM_015459.5(ATL3):c.782C>A (p.Thr261Asn)

Genes: ATL3 (atlastin GTPase 3; minus strand), LNCROPM (lncRNA regulator of PLAAT3 mediated phospholipid metabolism; plus strand). Cytogenetic location: 11q13.1.
Variant type: single nucleotide variant.
Coding change: c.782C>A on transcript NM_015459.5 (MANE Select); coding-DNA position 782, C replaced by A.
Protein change: p.Thr261Asn; replaces threonine 261 with asparagine.
Molecular consequence: missense variant.
Genome position (GRCh38, 1-based): chr11:63,643,425, G>T on the plus strand (C>A on the coding strand, the complement: ATL3 is on the minus strand). VCF-style: chr11-63643425-G-T. GRCh37 (hg19) VCF-style: chr11-63410897-G-T.
Other names: c.728C>A, p.Thr243Asn (NM_001290048.2); c.782C>A (NM_015459.3); short protein forms T243N, T261N.
Identifiers: ClinVar variation 949476 (VCV000949476.11), dbSNP rs567304524, ClinGen allele CA6063682.